The following is an entry in ClinVar:

ClinVar aggregate classification (germline): Uncertain significance (1 of 4 stars; one submission).

Allele frequency attached by ClinVar (database versions not stated): gnomAD exomes below 0.00001.
gnomAD v4.1: 1 of 1,614,100 alleles (0.000062%); highest among the groups gnomAD compares: Non-Finnish European, 0.000085%; no homozygotes.

Submission:

Labcorp Genetics (formerly Invitae), Labcorp
Classification: Uncertain significance. Last evaluated: 2023-05-16. Review status: criteria provided, single submitter. Criteria: Invitae Variant Classification Sherloc (09022015). Collection method: clinical testing. Allele origin: germline.
Comment: This sequence change replaces leucine, which is neutral and non-polar, with serine, which is neutral and polar, at codon 374 of the NCSTN protein (p.Leu374Ser). This variant is not present in population databases (gnomAD no frequency). This variant has not been reported in the literature in individuals affected with NCSTN-related conditions. Advanced modeling of protein sequence and biophysical properties (such as structural, functional, and spatial information, amino acid conservation, physicochemical variation, residue mobility, and thermodynamic stability) performed at Invitae indicates that this missense variant is not expected to disrupt NCSTN protein function. In summary, the available evidence is currently insufficient to determine the role of this variant in disease. Therefore, it has been classified as a Variant of Uncertain Significance.

NM_015331.3(NCSTN):c.1121T>C (p.Leu374Ser)

Gene: NCSTN (nicastrin; plus strand). Cytogenetic location: 1q23.2.
Variant type: single nucleotide variant.
Coding change: c.1121T>C on transcript NM_015331.3 (MANE Select); coding-DNA position 1121, T replaced by C.
Protein change: p.Leu374Ser; replaces leucine 374 with serine.
Molecular consequence: missense variant.
Genome position (GRCh38, 1-based): chr1:160,353,179, T>C. VCF-style: chr1-160353179-T-C. GRCh37 (hg19) VCF-style: chr1-160322969-T-C.
Other names: c.1061T>C, p.Leu354Ser (NM_001290184.2); c.707T>C, p.Leu236Ser (NM_001290186.2); c.1121T>C, p.Leu374Ser (NM_001349729.2); short protein forms L236S, L354S, L374S.
Identifiers: ClinVar variation 2864941 (VCV002864941.3), dbSNP rs2525537441, ClinGen allele CA343281051.